The following is an entry in ClinVar:

NM_016532.4(INPP5K):c.813C>T (p.Ile271=)

Gene: INPP5K (inositol polyphosphate-5-phosphatase K; minus strand). Cytogenetic location: 17p13.3.
Variant type: single nucleotide variant.
Coding change: c.813C>T on transcript NM_016532.4 (MANE Select); coding-DNA position 813, C replaced by T.
Protein change: p.Ile271=; no amino-acid change (isoleucine 271 retained).
Molecular consequence: synonymous variant.
Genome position (GRCh38, 1-based): chr17:1,498,086, G>A on the plus strand (C>T on the coding strand, the complement: INPP5K is on the minus strand). VCF-style: chr17-1498086-G-A. GRCh37 (hg19) VCF-style: chr17-1401380-G-A.
Other names: c.585C>T, p.Ile195= (NM_001135642.2, NM_130766.3).
Identifiers: ClinVar variation 3067385 (VCV003067385.21), dbSNP rs1325466771, ClinGen allele CA497279051.
Genomic context (GRCh38, chr17:1,498,086, plus strand): 5'-TGACGCCGGCGGTATGGGAGTGTCGGGGCCAGCACAGGGCTGCCGCTTCAGCCTCCACAG[G>A]ATGCGATCGGTCCATGCAGGCTTGCGTTTTTTCTCACTGCAGGGGCAGGGGGCATAAAGA-3'
Protein context (NP_057616.2, residues 261-281): KKRKPAWTDR[Ile271=]LWRLKRQPCA

ClinVar aggregate classification (germline): Likely benign (1 of 4 stars; one submission).

Allele frequency attached by ClinVar (database versions not stated): TOPMed below 0.00001; gnomAD 0.00001; gnomAD exomes 0.00001.
gnomAD v4.1: 18 of 1,613,782 alleles (0.0011%); highest among the groups gnomAD compares: Admixed American, 0.0017%; no homozygotes.

Submission:

CeGaT Center for Human Genetics Tuebingen
Classification: Likely benign. Last evaluated: 2024-03-01. Review status: criteria provided, single submitter. Criteria: CeGaT Center For Human Genetics Tuebingen Variant Classification Criteria Version 2. Collection method: clinical testing. Allele origin: germline. Affected: yes. Observed: 1 variant allele.
Comment: INPP5K: BP4, BP7